The following is an entry in ClinVar:

NM_001042492.3(NF1):c.3127G>T (p.Glu1043Ter)

Gene: NF1 (neurofibromin 1; plus strand). Cytogenetic location: 17q11.2.
Variant type: single nucleotide variant.
Coding change: c.3127G>T on transcript NM_001042492.3 (MANE Select); coding-DNA position 3127, G replaced by T.
Protein change: p.Glu1043Ter; replaces glutamic acid 1043 with a stop codon.
Molecular consequence: nonsense.
Genome position (GRCh38, 1-based): chr17:31,230,855, G>T. VCF-style: chr17-31230855-G-T. GRCh37 (hg19) VCF-style: chr17-29557873-G-T.
Other names: c.3127G>T, p.Glu1043Ter (NM_000267.4); short protein forms E1043*.
Identifiers: ClinVar variation 2631403 (VCV002631403.2), dbSNP rs2151432379, ClinGen allele CA398987902.

ClinVar aggregate classification (germline): Pathogenic. Review status: criteria provided, multiple submitters, no conflicts (2 of 4 stars). 2 submissions from 2 submitters: Pathogenic (2). Last evaluated 2026-01-12.

Conditions:
NF1-related disorder. Also called: NF1-related condition. Identifiers: MedGen CN379171.
Neurofibromatosis, type 1 (NF1). Also called: VON RECKLINGHAUSEN DISEASE; NEUROFIBROMATOSIS, TYPE I, SOMATIC; Peripheral type neurofibromatosis; Neurofibromatosis, type I. Identifiers: Orphanet 636, MedGen C0027831, MONDO:0018975, OMIM 162200. Disease mechanism: loss of function.

Submissions (2):

Labcorp Genetics (formerly Invitae), Labcorp
Classification: Pathogenic for Neurofibromatosis, type 1. Last evaluated: 2026-01-12. Review status: criteria provided, single submitter. Criteria: Invitae Variant Classification Sherloc (09022015). Collection method: clinical testing. Allele origin: germline.
Comment: This sequence change creates a premature translational stop signal (p.Glu1043*) in the NF1 gene. It is expected to result in an absent or disrupted protein product. Loss-of-function variants in NF1 are known to be pathogenic (PMID: 10712197, 23913538). This variant is not present in population databases (gnomAD no frequency). This premature translational stop signal has been observed in individual(s) with clinical features of neurofibromatosis type 1 (PMID: 39001468). ClinVar contains an entry for this variant (Variation ID: 2631403). For these reasons, this variant has been classified as Pathogenic.

PreventionGenetics, part of Exact Sciences
Classification: Pathogenic for NF1-related condition. Last evaluated: 2023-06-28. Review status: criteria provided, single submitter. Criteria: ACMG Guidelines, 2015. Collection method: clinical testing. Allele origin: germline.
Comment: The NF1 c.3127G>T variant is predicted to result in premature protein termination (p.Glu1043*). To our knowledge, this variant has not been reported in the literature or in a large population database, indicating this variant is rare. Nonsense variants in NF1 are expected to be pathogenic. This variant is interpreted as pathogenic.

Literature cited by the submitters: PubMed 10712197 (cited by Labcorp Genetics (formerly Invitae), Labcorp); PubMed 23913538 (cited by Labcorp Genetics (formerly Invitae), Labcorp); PubMed 39001468 (cited by Labcorp Genetics (formerly Invitae), Labcorp).